The following is an entry in ClinVar:

ClinVar aggregate classification (germline): Conflicting classifications of pathogenicity. Review status: criteria provided, conflicting classifications (1 of 4 stars). 2 submissions from 2 submitters: Uncertain significance (1); Likely benign (1). Last evaluated 2025-02-25.

Conditions:
Hereditary cancer-predisposing syndrome. Also called: Hereditary neoplastic syndrome; Neoplastic Syndromes, Hereditary; Tumor predisposition; Hereditary Cancer Syndrome. Identifiers: Orphanet 140162, MedGen C0027672, MeSH D009386, MONDO:0015356.
Familial cancer of breast. Also called: BREAST CANCER, FAMILIAL; hereditary breast carcinoma; Hereditary breast cancer. Identifiers: Orphanet 227535, MedGen C0346153, MONDO:0016419, OMIM 114480. Disease mechanism: loss of function.

Submissions (2):

Labcorp Genetics (formerly Invitae), Labcorp
Classification: Uncertain significance for Familial cancer of breast. Last evaluated: 2025-02-25. Review status: criteria provided, single submitter. Criteria: Invitae Variant Classification Sherloc (09022015). Collection method: clinical testing. Allele origin: germline.
Comment: This sequence change replaces proline, which is neutral and non-polar, with leucine, which is neutral and non-polar, at codon 353 of the BARD1 protein (p.Pro353Leu). This variant is not present in population databases (gnomAD no frequency). This variant has not been reported in the literature in individuals affected with BARD1-related conditions. An algorithm developed to predict the effect of missense changes on protein structure and function outputs the following: PolyPhen-2: "Benign". The leucine amino acid residue is found in multiple mammalian species, which suggests that this missense change does not adversely affect protein function. In summary, the available evidence is currently insufficient to determine the role of this variant in disease. Therefore, it has been classified as a Variant of Uncertain Significance.

Ambry Genetics
Classification: Likely benign for Hereditary cancer-predisposing syndrome. Last evaluated: 2025-02-09. Review status: criteria provided, single submitter. Criteria: Ambry Variant Classification Scheme 2023. Collection method: clinical testing. Allele origin: germline.

NM_000465.4(BARD1):c.1058C>T (p.Pro353Leu)

Gene: BARD1 (BRCA1 associated RING domain 1; minus strand). Cytogenetic location: 2q35.
Variant type: single nucleotide variant.
Coding change: c.1058C>T on transcript NM_000465.4 (MANE Select); coding-DNA position 1058, C replaced by T.
Protein change: p.Pro353Leu; replaces proline 353 with leucine.
Molecular consequence: missense variant. On other transcripts: non-coding transcript variant (2), intron variant (3).
Genome position (GRCh38, 1-based): chr2:214,780,816, G>A on the plus strand (C>T on the coding strand, the complement: BARD1 is on the minus strand). VCF-style: chr2-214780816-G-A. GRCh37 (hg19) VCF-style: chr2-215645540-G-A.
Other names: c.1001C>T, p.Pro334Leu (NM_001282543.2); c.215+16245C>T (NM_001282545.2); c.159-28261C>T (NM_001282548.2); c.364+11481C>T (NM_001282549.2); short protein forms P334L, P353L.
Identifiers: ClinVar variation 3820621 (VCV003820621.2).